The following is an entry in ClinVar:

NM_000179.3(MSH6):c.3850dup (p.Thr1284fs)

Gene: MSH6 (mutS homolog 6; plus strand). Cytogenetic location: 2p16.3.
Variant type: Duplication.
Coding change: c.3850dup on transcript NM_000179.3 (MANE Select); coding-DNA position 3850, one base duplicated (A; older notation c.3850dupA).
Protein change: p.Thr1284fs; shifts the reading frame from threonine 1284.
Molecular consequence: frameshift variant.
Genome position (GRCh38, 1-based): chr2:47,806,500, A duplicated. VCF-style (leftmost placement, unchanged base first): chr2-47806499-T-TA. GRCh37 (hg19) VCF-style: chr2-48033638-T-TA.
Other names: c.3850dupA (NM_000179.2); c.3460dup, p.Thr1154fs (NM_001281492.2); c.2944dup, p.Thr982fs (NM_001281493.2, NM_001281494.2); short protein forms T1154fs, T982fs, T1284fs.
Identifiers: ClinVar variation 433926 (VCV000433926.23), dbSNP rs1553333421, ClinGen allele CA645372555.
Genomic context (GRCh38, chr2:47,806,499, plus strand): 5'-TTTCTTTCTTAAGGCATGCATGGTAGAAAATGAATGTGAAGACCCCAGCCAGGAGACTAT[T>TA]ACGTTCCTCTATAAATTCATTAAGGGAGCTTGTCCTAAAAGCTATGGCTTTAATGCAGCA-3'

ClinVar aggregate classification (germline): Pathogenic/Likely pathogenic. Review status: criteria provided, multiple submitters, no conflicts (2 of 4 stars). 9 submissions from 9 submitters: Pathogenic (6); Likely pathogenic (2). 1 of the submissions does not count toward it. Last evaluated 2024-09-05.

Conditions:
Hereditary nonpolyposis colorectal neoplasms. Identifiers: MedGen C0009405, MeSH D003123.
Hereditary cancer-predisposing syndrome. Also called: Hereditary neoplastic syndrome; Hereditary Cancer Syndrome; Tumor predisposition; Neoplastic Syndromes, Hereditary. Identifiers: Orphanet 140162, MedGen C0027672, MeSH D009386, MONDO:0015356.
Lynch syndrome. Identifiers: Orphanet 144, MedGen C4552100, MONDO:0005835. Disease mechanism: loss of function.
Lynch syndrome 5 (LYNCH5). Also called: Colorectal cancer, hereditary nonpolyposis, type 5; Hereditary non-polyposis colorectal cancer, type 5. Identifiers: Orphanet 144, MedGen C1833477, MONDO:0013710, OMIM 614350. Disease mechanism: loss of function.
Carcinoma of colon (CRC). Also called: Colon carcinoma; Colonic carcinoma. Identifiers: MedGen C0699790, MONDO:0002032.

Submissions (9):

GeneDx
Classification: Pathogenic. Last evaluated: 2024-09-05. Review status: criteria provided, single submitter. Criteria: GeneDx Variant Classification Process June 2021. Collection method: clinical testing. Allele origin: germline. Affected: yes.
Comment: Frameshift variant predicted to result in protein truncation or nonsense mediated decay in a gene for which loss of function is a known mechanism of disease; Not observed at significant frequency in large population cohorts (gnomAD); Truncating variants in this gene are considered pathogenic by a well-established clinical consortium and/or database; Has not been previously published as pathogenic or benign to our knowledge; This variant is associated with the following publications: (PMID: 31589614, 31447099)

Hereditary Cancer Laboratory, Hospital Universitario 12 de Octubre
Classification: Pathogenic for Hereditary cancer-predisposing syndrome. Last evaluated: 2024-07-02. Review status: criteria provided, single submitter. Criteria: ACMG Guidelines, 2015. Collection method: clinical testing. Allele origin: germline.
Comment: PVS1,PM2,PP5

Labcorp Genetics (formerly Invitae), Labcorp
Classification: Pathogenic for Hereditary nonpolyposis colorectal neoplasms. Last evaluated: 2024-04-11. Review status: criteria provided, single submitter. Criteria: Invitae Variant Classification Sherloc (09022015). Collection method: clinical testing. Allele origin: germline.
Comment: This sequence change creates a premature translational stop signal (p.Thr1284Asnfs*5) in the MSH6 gene. It is expected to result in an absent or disrupted protein product. Loss-of-function variants in MSH6 are known to be pathogenic (PMID: 18269114, 24362816). This variant is not present in population databases (gnomAD no frequency). This variant has not been reported in the literature in individuals affected with MSH6-related conditions. ClinVar contains an entry for this variant (Variation ID: 433926). Algorithms developed to predict the effect of sequence changes on RNA splicing suggest that this variant may disrupt the consensus splice site. For these reasons, this variant has been classified as Pathogenic.

Color Diagnostics, LLC DBA Color Health
Classification: Pathogenic for Hereditary cancer-predisposing syndrome. Last evaluated: 2024-03-11. Review status: criteria provided, single submitter. Criteria: ACMG Guidelines, 2015. Collection method: clinical testing. Allele origin: germline.
Comment: This variant inserts 1 nucleotide in exon 9 of the MSH6 gene, creating a frameshift and premature translation stop signal. This variant is expected to result in an absent or non-functional protein product. To our knowledge, this variant has not been reported in individuals affected with MSH6-related disorders in the literature. This variant has not been identified in the general population by the Genome Aggregation Database (gnomAD). Loss of MSH6 function is a known mechanism of disease. Based on the available evidence, this variant is classified as Pathogenic.

Myriad Genetics, Inc.
Classification: Pathogenic for Lynch syndrome 5. Last evaluated: 2023-08-25. Review status: criteria provided, single submitter. Criteria: Myriad Autosomal Dominant, Autosomal Recessive and X-Linked Classification Criteria (2023). Collection method: clinical testing. Allele origin: unknown.
Comment: This variant is considered pathogenic. This variant creates a frameshift predicted to result in premature protein truncation.

Ambry Genetics
Classification: Pathogenic for Hereditary cancer-predisposing syndrome. Last evaluated: 2019-09-23. Review status: criteria provided, single submitter. Criteria: Ambry Variant Classification Scheme 2023. Collection method: clinical testing. Allele origin: germline.
Comment: The c.3850dupA pathogenic mutation, located in coding exon 9 of the MSH6 gene, results from a duplication of A at nucleotide position 3850, causing a translational frameshift with a predicted alternate stop codon (p.T1284Nfs*5). This alteration is expected to result in loss of function by premature protein truncation or nonsense-mediated mRNA decay. As such, this alteration is interpreted as a disease-causing mutation.

Quest Diagnostics Nichols Institute San Juan Capistrano
Classification: Likely pathogenic. Last evaluated: 2017-12-15. Review status: criteria provided, single submitter. Criteria: Quest Diagnostics criteria. Collection method: clinical testing. Allele origin: germline.

Women's Health and Genetics/Laboratory Corporation of America, LabCorp
Classification: Likely pathogenic for Lynch syndrome. Last evaluated: 2017-12-01. Review status: criteria provided, single submitter. Criteria: LabCorp Variant Classification Summary - May 2015. Collection method: clinical testing. Allele origin: germline.
Comment: Variant summary: The MSH6 c.3850dupA (p.Thr1284AsnfsX5) variant results in a premature termination codon, predicted to cause a truncated or absent MSH6 protein due to nonsense mediated decay, which are commonly known mechanisms for disease. One in silico tool predicts a damaging outcome for this variant. A variant that affects the same codon and leads to an equivalent change at the protein level (c.3847_3850dupATTA (p.Thr1284Asnfs)) as the variant of interest has been classified as pathogenic by multiple laboratories. Also, truncations downstream of this position have been classified as pathogenic by our laboratory (e.g. c.3938_3941dupTTCA (p.Gln1314fsX6), c.3939_3957dupTCAAAAGGGACATAGAAAA (p.Ala1320fsX5), c.3939_3940dupTC (p.Gln1314fsX14)). This variant is absent in 276776 control chromosomes. In addition, one diagnostic laboratory classified this variant as pathogenic. The variant of interest has not, to our knowledge, been reported in affected individuals via publications; nor evaluated for functional impact by in vivo/vitro studies. Taken together, this variant is classified as likely pathogenic.

Department of Pathology and Laboratory Medicine, Sinai Health System
Classification: Pathogenic for Carcinoma of colon. Review status: no assertion criteria provided. Collection method: clinical testing. Allele origin: unknown. Affected: yes. Study: The Canadian Open Genetics Repository (COGR). Not counted in ClinVar's aggregate classification.
Comment: The MSH6 p.Thr1284AsnfsX5 variant was not identified in the literature nor was it identified in the dbSNP, Clinvitae, COSMIC, Mismatch Repair Genes Variant, MMR Gene Unclassified Variants, InSiGHT Colon Cancer Gene Variant (LOVD), Zhejiang Colon Cancer (LOVD), ClinVar, GeneInsight - COGR and UMD databases. The variant was also not identified in the 1000 Genomes Project, NHLBI GO Exome Sequencing Project and the Exome Aggregation Consortium database (August 8, 2016). The variant occurs outside of the splicing consensus sequence and in silico or computational prediction software programs (SpliceSiteFinder, MaxEntScan, NNSPLICE, GeneSplicer, HumanSpliceFinder) do not predict a difference in splicing. The c.3850dup variant is predicted to cause a frameshift, which alters the protein's amino acid sequence beginning at codon 1284 and leads to a premature stop codon 5 codons downstream. This alteration is then predicted to result in a truncated or absent protein and loss of function. Loss of function variants of the MSH6 gene are an established mechanism of disease in Lynch syndrome and this is the type of variant expected to cause the disorder. In summary, based on the above information, this variant meets our laboratoryâ€šÃ„Ã´s criteria to be classified as pathogenic.

Literature cited by the submitters: PubMed 18269114 (cited by Labcorp Genetics (formerly Invitae), Labcorp); PubMed 24362816 (cited by Labcorp Genetics (formerly Invitae), Labcorp).